The following is an entry in ClinVar:

ClinVar aggregate classification (germline): Likely benign. Review status: criteria provided, multiple submitters, no conflicts (2 of 4 stars). 2 submissions from 2 submitters: Likely benign (2). Last evaluated 2025-07-01.

Allele frequency attached by ClinVar (database versions not stated): ExAC 0.00001; gnomAD 0.00003; TOPMed 0.00003.
gnomAD v4.1: 61 of 1,612,330 alleles (0.0038%); highest among the groups gnomAD compares: Non-Finnish European, 0.005%; no homozygotes.

Submissions (2):

CeGaT Center for Human Genetics Tuebingen
Classification: Likely benign. Last evaluated: 2025-07-01. Review status: criteria provided, single submitter. Criteria: CeGaT Center For Human Genetics Tuebingen Variant Classification Criteria Version 2. Collection method: clinical testing. Allele origin: germline. Affected: yes. Observed: 1 variant allele.
Comment: EGLN1: BS2

Ambry Genetics
Classification: Likely benign. Last evaluated: 2021-07-31. Review status: criteria provided, single submitter. Criteria: Ambry Variant Classification Scheme 2023. Collection method: clinical testing. Allele origin: germline.

NM_022051.3(EGLN1):c.568G>T (p.Ala190Ser)

Gene: EGLN1 (egl-9 family hypoxia inducible factor 1; minus strand). Cytogenetic location: 1q42.2.
Variant type: single nucleotide variant.
Coding change: c.568G>T on transcript NM_022051.3 (MANE Select); coding-DNA position 568, G replaced by T.
Protein change: p.Ala190Ser; replaces alanine 190 with serine.
Molecular consequence: missense variant.
Genome position (GRCh38, 1-based): chr1:231,421,321, C>A on the plus strand (G>T on the coding strand, the complement: EGLN1 is on the minus strand). VCF-style: chr1-231421321-C-A. GRCh37 (hg19) VCF-style: chr1-231557067-C-A.
Other names: c.568G>T, p.Ala190Ser (NM_001377260.1, NM_001377261.1); short protein forms A190S.
Identifiers: ClinVar variation 1749073 (VCV001749073.10), dbSNP rs780528085, ClinGen allele CA1453139.